The following is an entry in ClinVar:

NM_001242896.3(DEPDC5):c.1543G>A (p.Glu515Lys)

Gene: DEPDC5 (DEP domain containing 5, GATOR1 subcomplex subunit; plus strand). Cytogenetic location: 22q12.3.
Variant type: single nucleotide variant.
Coding change: c.1543G>A on transcript NM_001242896.3 (MANE Select); coding-DNA position 1543, G replaced by A.
Protein change: p.Glu515Lys; replaces glutamic acid 515 with lysine.
Molecular consequence: missense variant. On other transcripts: non-coding transcript variant (5).
Genome position (GRCh38, 1-based): chr22:31,815,089, G>A. VCF-style: chr22-31815089-G-A. GRCh37 (hg19) VCF-style: chr22-32211075-G-A.
Other names: c.1543G>A, p.Glu515Lys (NM_001007188.4, NM_001136029.4, NM_001242897.2 and 7 more transcripts); c.1459G>A, p.Glu487Lys (NM_001369901.1, NM_001369902.1); short protein forms E487K, E515K.
Identifiers: ClinVar variation 4082587 (VCV004082587.1).

ClinVar aggregate classification (germline): Uncertain significance (1 of 4 stars; one submission).

Submission:

GeneDx
Classification: Uncertain significance. Last evaluated: 2025-02-25. Review status: criteria provided, single submitter. Criteria: GeneDx Variant Classification Process June 2021. Collection method: clinical testing. Allele origin: germline. Affected: yes.
Comment: Not observed at significant frequency in large population cohorts (gnomAD); In silico analysis indicates that this missense variant does not alter protein structure/function; Has not been previously published as pathogenic or benign to our knowledge